The following is an entry in ClinVar:

NM_001174150.2(ARL13B):c.1118C>T (p.Thr373Met)

Gene: ARL13B (ARF like GTPase 13B; plus strand). Cytogenetic location: 3q11.2.
Variant type: single nucleotide variant.
Coding change: c.1118C>T on transcript NM_001174150.2 (MANE Select); coding-DNA position 1118, C replaced by T.
Protein change: p.Thr373Met; replaces threonine 373 with methionine.
Molecular consequence: missense variant. On other transcripts: non-coding transcript variant (2).
Genome position (GRCh38, 1-based): chr3:94,049,499, C>T. VCF-style: chr3-94049499-C-T. GRCh37 (hg19) VCF-style: chr3-93768343-C-T.
Other names: c.809C>T, p.Thr270Met (NM_001174151.2); c.1073C>T, p.Thr358Met (NM_001321328.2); c.797C>T, p.Thr266Met (NM_144996.4); c.1118C>T, p.Thr373Met (NM_182896.3); c.1118C>T (NM_182896.2); short protein forms T266M, T270M, T358M, T373M.
Identifiers: ClinVar variation 1061421 (VCV001061421.6), dbSNP rs369850890, ClinGen allele CA2504262.

ClinVar aggregate classification (germline): Uncertain significance. Review status: criteria provided, multiple submitters, no conflicts (2 of 4 stars). 3 submissions from 3 submitters: Uncertain significance (3). Last evaluated 2024-05-23.

Conditions:
Joubert syndrome 8 (JBTS8). Identifiers: Orphanet 475, MedGen C2676771, MONDO:0012855, OMIM 612291.
Inborn genetic diseases. Identifiers: MedGen C0950123, MeSH D030342.

Allele frequency attached by ClinVar (database versions not stated): gnomAD 0.00001; TOPMed 0.00004; ExAC 0.00007; ESP Exome Variant Server 0.00008.
gnomAD v4.1: 62 of 1,608,872 alleles (0.0039%); highest among the groups gnomAD compares: Admixed American, 0.017%; no homozygotes.

Submissions (3):

Fulgent Genetics
Classification: Uncertain significance for Joubert syndrome 8. Last evaluated: 2024-05-23. Review status: criteria provided, single submitter. Criteria: ACMG Guidelines, 2015. Collection method: clinical testing. Allele origin: germline.

Labcorp Genetics (formerly Invitae), Labcorp
Classification: Uncertain significance for Joubert syndrome 8. Last evaluated: 2022-07-15. Review status: criteria provided, single submitter. Criteria: Invitae Variant Classification Sherloc (09022015). Collection method: clinical testing. Allele origin: germline.
Comment: In summary, the available evidence is currently insufficient to determine the role of this variant in disease. Therefore, it has been classified as a Variant of Uncertain Significance. Algorithms developed to predict the effect of missense changes on protein structure and function are either unavailable or do not agree on the potential impact of this missense change (SIFT: "Deleterious"; PolyPhen-2: "Possibly Damaging"; Align-GVGD: "Class C0"). ClinVar contains an entry for this variant (Variation ID: 1061421). This variant has not been reported in the literature in individuals affected with ARL13B-related conditions. This variant is present in population databases (rs369850890, gnomAD 0.02%). This sequence change replaces threonine, which is neutral and polar, with methionine, which is neutral and non-polar, at codon 373 of the ARL13B protein (p.Thr373Met).

Ambry Genetics
Classification: Uncertain significance for Inborn genetic diseases. Last evaluated: 2021-03-26. Review status: criteria provided, single submitter. Criteria: Ambry Variant Classification Scheme 2023. Collection method: clinical testing. Allele origin: germline.
Comment: The c.1118C>T (p.T373M) alteration is located in exon 8 (coding exon 8) of the ARL13B gene. This alteration results from a C to T substitution at nucleotide position 1118, causing the threonine (T) at amino acid position 373 to be replaced by a methionine (M). The p.T373M alteration is predicted to be tolerated by in silico analysis. Based on insufficient or conflicting evidence, the clinical significance of this alteration remains unclear.